The following is an entry in ClinVar:

ClinVar aggregate classification (germline): Pathogenic (1 of 4 stars; one submission).

Conditions:
Werner syndrome (WRN). Identifiers: Orphanet 902, MedGen C0043119, MONDO:0010196, OMIM 277700.

Submission:

Labcorp Genetics (formerly Invitae), Labcorp
Classification: Pathogenic for Werner syndrome. Last evaluated: 2021-05-25. Review status: criteria provided, single submitter. Criteria: Invitae Variant Classification Sherloc (09022015). Collection method: clinical testing. Allele origin: germline.
Comment: For these reasons, this variant has been classified as Pathogenic. Retrotransposon insertions including LINE1 (L1), Alu, and SVA (SINE-VNTR-Alu) have been reported to be disease-causing through disruption of either a coding region or splice site (PMID: 19763152, 20307669, 22406018) and loss-of-function variants in WRN are known to be pathogenic (PMID: 16673358). Algorithms developed to predict the effect of sequence changes on RNA splicing suggest that this variant may create or strengthen a splice site, but this prediction has not been confirmed by published transcriptional studies. This variant has not been reported in the literature in individuals with WRN-related conditions. This variant is not present in population databases (ExAC no frequency). This sequence change inserts a large fragment of DNA, likely a transposable element, in exon 9 of the WRN gene (c.1016_1017ins?), causing a frameshift at codon 339 (p.Leu339fs). The exact size and sequence of the insertion cannot be determined by the current assay. However, the insertion is expected to result in an absent or disrupted protein product.

Literature cited by the submitters: PubMed 19763152; PubMed 20307669; PubMed 22406018; PubMed 16673358.

NM_000553.6(WRN):c.1016_1017insTTTTTTTTTTTTTTTTNNNNNNNNNNGACGGGGTTTCACCGTTTTAGCCGGGATGGTCTCGATCTCCTGACCTCGTGATCCGCCCGCCTCGGCCTCCCAAAGTGCTGGGATTACAGGCGTGAGCCACCGCGCCCGGCCGAACATGAAGTTTT (p.Leu339delinsPhePhePhePhePhePheXaaXaaXaaXaaArgGlyPheThrValLeuAlaGlyMetValSerIleSerTer)

Gene: WRN (WRN RecQ like helicase; plus strand). Cytogenetic location: 8p12.
Variant type: Insertion.
Coding change: c.1016_1017insTTTTTTTTTTTTTTTTNNNNNNNNNNGACGGGGTTTCACCGTTTTAGCCGGGATGGTCTCGATCTCCTGACCTCGTGATCCGCCCGCCTCGGCCTCCCAAAGTGCTGGGATTACAGGCGTGAGCCACCGCGCCCGGCCGAACATGAAGTTTT on transcript NM_000553.6 (MANE Select); coding-DNA positions 1016 to 1017, TTTTTTTTTTTTTTTTNNNNNNNNNNGACGGGGTTTCACCGTTTTAGCCGGGATGGTCTCGATCTCCTGACCTCGTGATCCGCCCGCCTCGGCCTCCCAAAGTGCTGGGATTACAGGCGTGAGCCACCGCGCCCGGCCGAACATGAAGTTTT inserted.
Protein change: p.Leu339delinsPhePhePhePhePhePheXaaXaaXaaXaaArgGlyPheThrValLeuAlaGlyMetValSerIleSerTer.
Molecular consequence: nonsense.
Genome position: GRCh38: chr8:31,081,043-31,081,044. GRCh37 (hg19): chr8:30,938,559-30,938,560.
Identifiers: ClinVar variation 1396053 (VCV001396053.6), dbSNP rs2130118800.